The following is an entry in ClinVar:

NM_003356.4(UCP3):c.825-1G>C

Gene: UCP3 (uncoupling protein 3; minus strand). Cytogenetic location: 11q13.4.
Variant type: single nucleotide variant.
Coding change: c.825-1G>C on transcript NM_003356.4 (MANE Select); the canonical splice acceptor site of the intron before coding-DNA position 825, G replaced by C.
Molecular consequence: splice acceptor variant.
Genome position (GRCh38, 1-based): chr11:74,001,527, C>G on the plus strand (G>C on the coding strand, the complement: UCP3 is on the minus strand). VCF-style: chr11-74001527-C-G. GRCh37 (hg19) VCF-style: chr11-73712572-C-G.
Identifiers: ClinVar variation 4983961 (VCV004983961.1).
Genomic context (GRCh38, chr11:74,001,527, plus strand): 5'-TCATAGGTTACGAACATCACCACGTTCCAGGATCCCAAACGCAAAAAGGAGGGTGTAAAT[C>G]TGATAAGAAAAACAACCAACACATCAGGTGGAGTGCTAGGGGACCACAACAGATGCGTGT-3'

ClinVar aggregate classification (germline): Uncertain significance (1 of 4 stars; one submission).

Conditions:
UCP3-related disorder. Also called: UCP3-related condition.

gnomAD v4.1: 2 of 1,613,994 alleles (0.00012%); highest among the groups gnomAD compares: Admixed American, 0.0017%; no homozygotes.

Submission:

PreventionGenetics, part of Exact Sciences
Classification: Uncertain significance for UCP3-related condition. Last evaluated: 2026-02-20. Review status: criteria provided, single submitter. Criteria: ACMG Guidelines, 2015. Collection method: clinical testing. Allele origin: germline.
Comment: The UCP3 c.825-1G>C variant is predicted to disrupt the AG splice acceptor site and interfere with normal splicing. To our knowledge, this variant has not been reported in the literature. This variant is reported in 2 out of 1613994 alleles in gnomAD v4.1 (GRCh38 version). Although we suspect that this variant may be pathogenic, at this time, the clinical significance of this variant is uncertain due to the absence of conclusive functional and genetic evidence.